The following is an entry in ClinVar:

NM_000709.4(BCKDHA):c.853+2T>C

Gene: BCKDHA (branched chain keto acid dehydrogenase E1 subunit alpha; plus strand). Cytogenetic location: 19q13.2.
Variant type: single nucleotide variant.
Coding change: c.853+2T>C on transcript NM_000709.4 (MANE Select); the canonical splice donor site of the intron after coding-DNA position 853, T replaced by C.
Molecular consequence: splice donor variant.
Genome position (GRCh38, 1-based): chr19:41,422,372, T>C. VCF-style: chr19-41422372-T-C. GRCh37 (hg19) VCF-style: chr19-41928277-T-C.
Other names: c.853+2T>C (NM_000709.3, NM_001164783.2).
Identifiers: ClinVar variation 2175355 (VCV002175355.7), dbSNP rs558254502, ClinGen allele CA9461272.

ClinVar aggregate classification (germline): Likely pathogenic. Review status: criteria provided, multiple submitters, no conflicts (2 of 4 stars). 3 submissions from 3 submitters: Likely pathogenic (3). Last evaluated 2025-09-14.

Conditions:
Maple syrup urine disease (MSUD). Identifiers: Orphanet 511, MedGen C0024776, MeSH D008375, MONDO:0009563. Disease mechanism: loss of function.
Maple syrup urine disease type 1A (MSUD1A). Also called: MSUD type 1A. Identifiers: MedGen C1855369, MONDO:0023691, OMIM 248600.

Allele frequency attached by ClinVar (database versions not stated): gnomAD exomes below 0.00001; ExAC 0.00001; gnomAD 0.00001; 1000 Genomes Project 30x 0.00016; 1000 Genomes Project 0.00020.
gnomAD v4.1: 2 of 1,614,110 alleles (0.00012%); highest among the groups gnomAD compares: Admixed American, 0.0033%; no homozygotes.

Submissions (4):

Natera, Inc.
Classification: Likely pathogenic for Maple syrup urine disease type 1A. Last evaluated: 2025-09-14. Review status: criteria provided, single submitter. Criteria: Natera Variant Classification Schema (03/2026). Collection method: clinical testing. Allele origin: germline.
Comment: The c.853+2T>C variant in BCKDHA is a canonical splice donor site variant predicted to affect pre-mRNA splicing, which may result in an abnormal transcript and altered protein product. This variant is expected to result in nonsense mediated decay, truncation, or a dysfunctional protein product. This variant is rare in the general population with a frequency below the threshold expected for the associated phenotype(s). Given the available evidence, this variant is classified as Likely Pathogenic.

Labcorp Genetics (formerly Invitae), Labcorp
Classification: Likely pathogenic for Maple syrup urine disease. Last evaluated: 2023-02-05. Review status: criteria provided, single submitter. Criteria: Invitae Variant Classification Sherloc (09022015). Collection method: clinical testing. Allele origin: germline.
Comment: In summary, the currently available evidence indicates that the variant is pathogenic, but additional data are needed to prove that conclusively. Therefore, this variant has been classified as Likely Pathogenic. Algorithms developed to predict the effect of sequence changes on RNA splicing suggest that this variant may disrupt the consensus splice site. This variant has not been reported in the literature in individuals affected with BCKDHA-related conditions. This variant is present in population databases (rs558254502, gnomAD 0.003%). This sequence change affects a donor splice site in intron 6 of the BCKDHA gene. It is expected to disrupt RNA splicing. Variants that disrupt the donor or acceptor splice site typically lead to a loss of protein function (PMID: 16199547), and loss-of-function variants in BCKDHA are known to be pathogenic (PMID: 16786533, 22593002).

Baylor Genetics
Classification: Likely pathogenic for Maple syrup urine disease type 1A. Last evaluated: 2022-04-13. Review status: criteria provided, single submitter. Criteria: ACMG Guidelines, 2015. Collection method: clinical testing. Allele origin: unknown.

Dr. Peter K. Rogan Lab, Western University
No classification provided (evidence only). Condition: Malignant tumor of esophagus. Review status: no classification provided. Collection method: in vitro. Allele origin: not applicable. Functional consequence: skipped exon. Not counted in ClinVar's aggregate classification.

Literature cited by the submitters: PubMed 16199547 (cited by Labcorp Genetics (formerly Invitae), Labcorp); PubMed 16786533 (cited by Labcorp Genetics (formerly Invitae), Labcorp); PubMed 22593002 (cited by Labcorp Genetics (formerly Invitae), Labcorp).